The following is an entry in ClinVar:

NM_001206999.2(CIT):c.1808C>T (p.Ala603Val)

Gene: CIT (citron rho-interacting serine/threonine kinase; minus strand). Cytogenetic location: 12q24.23.
Variant type: single nucleotide variant.
Coding change: c.1808C>T on transcript NM_001206999.2 (MANE Select); coding-DNA position 1808, C replaced by T.
Protein change: p.Ala603Val; replaces alanine 603 with valine.
Molecular consequence: missense variant.
Genome position (GRCh38, 1-based): chr12:119,776,700, G>A on the plus strand (C>T on the coding strand, the complement: CIT is on the minus strand). VCF-style: chr12-119776700-G-A. GRCh37 (hg19) VCF-style: chr12-120214504-G-A.
Other names: NC_000012.11:g.120214504G>A; c.1808C>T, p.Ala603Val (NM_007174.3); short protein forms A603V.
Identifiers: ClinVar variation 3339825 (VCV003339825.3).

ClinVar aggregate classification (germline): Uncertain significance. Review status: criteria provided, multiple submitters, no conflicts (2 of 4 stars). 2 submissions from 2 submitters: Uncertain significance (2). Last evaluated 2025-07-15.

gnomAD v4.1: 67 of 1,613,588 alleles (0.0042%); highest among the groups gnomAD compares: South Asian, 0.019%; no homozygotes.

Submissions (4):

Labcorp Genetics (formerly Invitae), Labcorp
Classification: Uncertain significance. Last evaluated: 2025-07-15. Review status: criteria provided, single submitter. Criteria: Invitae Variant Classification Sherloc (09022015). Collection method: clinical testing. Allele origin: germline.
Comment: This sequence change replaces alanine, which is neutral and non-polar, with valine, which is neutral and non-polar, at codon 603 of the CIT protein (p.Ala603Val). This variant is present in population databases (rs141341431, gnomAD 0.02%). This variant has not been reported in the literature in individuals affected with CIT-related conditions. ClinVar contains an entry for this variant (Variation ID: 3339825). An algorithm developed to predict the effect of missense changes on protein structure and function outputs the following: PolyPhen-2: "Benign". The valine amino acid residue is found in multiple mammalian species, which suggests that this missense change does not adversely affect protein function. In summary, the available evidence is currently insufficient to determine the role of this variant in disease. Therefore, it has been classified as a Variant of Uncertain Significance.

Women's Health and Genetics/Laboratory Corporation of America, LabCorp
Classification: Uncertain significance. Last evaluated: 2024-06-24. Review status: criteria provided, single submitter. Criteria: LabCorp Variant Classification Summary - May 2015. Collection method: clinical testing. Allele origin: germline.
Comment: Variant summary: CIT c.1808C>T (p.Ala603Val) results in a non-conservative amino acid change in the encoded protein sequence. Three of five in-silico tools predict a benign effect of the variant on protein function. The variant allele was found at a frequency of 6.4e-05 in 251150 control chromosomes. This frequency is not significantly higher than estimated for a pathogenic variant in CIT causing Microcephaly 17, Primary, Autosomal Recessive, allowing no conclusion about variant significance. To our knowledge, no occurrence of c.1808C>T in individuals affected with Microcephaly 17, Primary, Autosomal Recessive and no experimental evidence demonstrating its impact on protein function have been reported. No submitters have cited clinical-significance assessments for this variant to ClinVar. Based on the evidence outlined above, the variant was classified as uncertain significance.

Dr. Peter K. Rogan Lab, Western University
No classification provided (evidence only). Condition: Acute myeloid leukemia. Review status: no classification provided. Collection method: in vitro. Allele origin: not applicable. Functional consequence: retained intron. Not counted in ClinVar's aggregate classification.

Dr. Peter K. Rogan Lab, Western University
No classification provided (evidence only). Condition: Colon adenocarcinoma. Review status: no classification provided. Collection method: in vitro. Allele origin: not applicable. Functional consequence: skipped exon, retained intron. Not counted in ClinVar's aggregate classification.